The following is an entry in ClinVar:

NM_001159699.2(FHL1):c.814T>A (p.Ser272Thr)

Gene: FHL1 (four and a half LIM domains 1; plus strand). Cytogenetic location: Xq26.3.
Variant type: single nucleotide variant.
Coding change: c.814T>A on transcript NM_001159699.2 (MANE Select); coding-DNA position 814, T replaced by A.
Protein change: p.Ser272Thr; replaces serine 272 with threonine.
Molecular consequence: missense variant. On other transcripts: synonymous variant (6), non-coding transcript variant (1).
Genome position (GRCh38, 1-based): chrX:136,209,948, T>A. VCF-style: chrX-136209948-T-A. GRCh37 (hg19) VCF-style: chrX-135292107-T-A.
Other names: c.766T>A, p.Ser256Thr (NM_001159700.2, NM_001159704.1, NM_001167819.1 and 4 more transcripts); c.853T>A, p.Ser285Thr (NM_001159701.2); c.966T>A, p.Ala322= (NM_001159702.3, NM_001369326.1, NM_001369327.2 and 1 more transcripts); c.579T>A, p.Ala193= (NM_001159703.2); c.627T>A, p.Ala209= (NM_001330659.2); short protein forms S285T, S272T, S256T.
Identifiers: ClinVar variation 1045886 (VCV001045886.8), dbSNP rs2073964922, ClinGen allele CA414609791.

ClinVar aggregate classification (germline): Uncertain significance (1 of 4 stars; one submission).

Conditions:
X-linked myopathy with postural muscle atrophy. Also called: FHL1-Related Emery-Dreifuss Muscular Dystrophy, X-Linked. Identifiers: Orphanet 178461, MedGen C2678055, MONDO:0010401, OMIM 300696.

Submission:

Labcorp Genetics (formerly Invitae), Labcorp
Classification: Uncertain significance for X-linked myopathy with postural muscle atrophy. Last evaluated: 2022-03-05. Review status: criteria provided, single submitter. Criteria: Invitae Variant Classification Sherloc (09022015). Collection method: clinical testing. Allele origin: germline.
Comment: ClinVar contains an entry for this variant (Variation ID: 1045886). Algorithms developed to predict the effect of missense changes on protein structure and function are either unavailable or do not agree on the potential impact of this missense change (SIFT: "Tolerated"; PolyPhen-2: "Possibly Damaging"; Align-GVGD: "Class C0"). In summary, the available evidence is currently insufficient to determine the role of this variant in disease. Therefore, it has been classified as a Variant of Uncertain Significance. This variant has not been reported in the literature in individuals affected with FHL1-related conditions. This sequence change replaces serine, which is neutral and polar, with threonine, which is neutral and polar, at codon 256 of the FHL1 protein (p.Ser256Thr). This variant is not present in population databases (gnomAD no frequency).